The following is an entry in ClinVar:

NM_000277.3(PAH):c.329C>T (p.Ser110Leu)

Gene: PAH (phenylalanine hydroxylase; minus strand). Cytogenetic location: 12q23.2.
Variant type: single nucleotide variant.
Coding change: c.329C>T on transcript NM_000277.3 (MANE Select); coding-DNA position 329, C replaced by T.
Protein change: p.Ser110Leu; replaces serine 110 with leucine.
Molecular consequence: missense variant.
Genome position (GRCh38, 1-based): chr12:102,894,758, G>A on the plus strand (C>T on the coding strand, the complement: PAH is on the minus strand). VCF-style: chr12-102894758-G-A. GRCh37 (hg19) VCF-style: chr12-103288536-G-A.
Other names: NM_000277.3(PAH):c.329C>T; p.Ser110Leu; c.329C>T, p.Ser110Leu (NM_001354304.2); short protein forms S110L.
Identifiers: ClinVar variation 102651 (VCV000102651.3), dbSNP rs199475627, ClinGen allele CA229516.

ClinVar aggregate classification (germline): Likely pathogenic. Review status: reviewed by expert panel (3 of 4 stars). 3 submissions from 3 submitters: Likely pathogenic (1). 2 of the submissions do not count toward it. Last evaluated 2021-12-16.

Conditions:
Phenylketonuria (PKU). Also called: Phenylketonuria (PKU); FOLLING DISEASE; OLIGOPHRENIA PHENYLPYRUVICA; Phenylketonurias. Identifiers: Orphanet 716, MedGen C0031485, MONDO:0009861, OMIM 261600. Disease mechanism: loss of function.

Submissions (3):

ClinGen PAH Variant Curation Expert Panel
Classification: Likely pathogenic for Phenylketonuria. Last evaluated: 2021-12-16. Review status: reviewed by expert panel. Criteria: ClinGen PAH ACMG Specifications v1. Collection method: curation. Allele origin: germline. Inheritance: Autosomal recessive inheritance.
Comment: The c.329C>T (p.Ser110Leu) variant in PAH has been reported in one individual with mild hyperphenylalanemia, in trans to c.842C>T (p.Pro281Leu) (Likely pathogenic by PAH VCEP variation ID: 589) with exclusion of BH4 deficiency (PMID: 16051511, PMID: 12618080). It has also been observed in an additional patient with hyperphenylalanemia without specified exclusion of BH4 deficiency (PMID: 26542770). In-vitro functional studies are unavailable. This variant is absent from population databases. In-silico predictions yield conflicting results regarding the pathogenicity of this variant. In summary, this variant meets criteria to be classified as Likely Pathogenic for PAH. PAH-specific ACMG/AMP criteria applied: PM3, PP4_moderate, PM2.

Women's Health and Genetics/Laboratory Corporation of America, LabCorp
Classification: Uncertain significance. Last evaluated: 2024-05-15. Review status: criteria provided, single submitter. Criteria: LabCorp Variant Classification Summary - May 2015. Collection method: clinical testing. Allele origin: germline. Not counted in ClinVar's aggregate classification.
Comment: Variant summary: PAH c.329C>T (p.Ser110Leu) results in a non-conservative amino acid change located in the ACT domain (IPR002912) of the encoded protein sequence. Four of five in-silico tools predict a damaging effect of the variant on protein function. The variant was absent in 251440 control chromosomes. c.329C>T has been reported in the literature in the presumed comopund heterozygous state in individuals affected with Phenylalanine Hydroxylase Deficiency (Phenylketonuria) (e.g. Bayat_2016, Shirzadeh_2018, Hennermann_2005). These data indicate that the variant may be associated with disease. To our knowledge, no experimental evidence demonstrating an impact on protein function has been reported. The following publications have been ascertained in the context of this evaluation (PMID: 26542770, 16051511, 30159852). ClinVar contains an entry for this variant (Variation ID: 102651). Based on the evidence outlined above, the variant was classified as VUS-possibly pathogenic.

DeBelle Laboratory for Biochemical Genetics, MUHC/MCH RESEARCH INSTITUTE
No classification provided. Review status: no classification provided. Collection method: not provided. Allele origin: not provided. Not counted in ClinVar's aggregate classification.

Literature cited by the submitters: PubMed 26542770 (cited by Women's Health and Genetics/Laboratory Corporation of America, LabCorp); PubMed 16051511 (cited by Women's Health and Genetics/Laboratory Corporation of America, LabCorp); PubMed 30159852 (cited by Women's Health and Genetics/Laboratory Corporation of America, LabCorp).